The following is an entry in ClinVar:

NM_024675.4(PALB2):c.920A>C (p.Lys307Thr)

Gene: PALB2 (partner and localizer of BRCA2; minus strand). Cytogenetic location: 16p12.2.
Variant type: single nucleotide variant.
Coding change: c.920A>C on transcript NM_024675.4 (MANE Select); coding-DNA position 920, A replaced by C.
Protein change: p.Lys307Thr; replaces lysine 307 with threonine.
Molecular consequence: missense variant.
Genome position (GRCh38, 1-based): chr16:23,635,626, T>G on the plus strand (A>C on the coding strand, the complement: PALB2 is on the minus strand). VCF-style: chr16-23635626-T-G. GRCh37 (hg19) VCF-style: chr16-23646947-T-G.
Other names: short protein forms K307T.
Identifiers: ClinVar variation 1481061 (VCV001481061.11), dbSNP rs2142430999, ClinGen allele CA395135354.
Genomic context (GRCh38, chr16:23,635,626, plus strand): 5'-CATGAAATATTTGCCTCTAAATTAGAACTTGTGGGCAGTTGGCCACTTTTACTTATAGCT[T>G]TATTTACAAGGAGGTTATCTGTAGAGACAGTCATTTTTTTGCCTTGTGCCTCCAAACTTA-3'
Protein context (NP_078951.2, residues 297-317): TVSTDNLLVN[Lys307Thr]AISKSGQLPT

ClinVar aggregate classification (germline): Uncertain significance. Review status: criteria provided, multiple submitters, no conflicts (2 of 4 stars). 2 submissions from 2 submitters: Uncertain significance (2). Last evaluated 2025-10-06.

Conditions:
Hereditary cancer-predisposing syndrome. Also called: Tumor predisposition; Hereditary Cancer Syndrome; Hereditary neoplastic syndrome; Neoplastic Syndromes, Hereditary. Identifiers: Orphanet 140162, MedGen C0027672, MeSH D009386, MONDO:0015356.
Familial cancer of breast. Also called: hereditary breast carcinoma; Hereditary breast cancer; BREAST CANCER, FAMILIAL. Identifiers: Orphanet 227535, MedGen C0346153, MONDO:0016419, OMIM 114480. Disease mechanism: loss of function.

Allele frequency attached by ClinVar (database versions not stated): gnomAD exomes below 0.00001.
gnomAD v4.1: 6 of 1,614,170 alleles (0.00037%); highest among the groups gnomAD compares: Non-Finnish European, 0.00051%; no homozygotes.

Submissions (2):

Labcorp Genetics (formerly Invitae), Labcorp
Classification: Uncertain significance for Familial cancer of breast. Last evaluated: 2025-10-06. Review status: criteria provided, single submitter. Criteria: Invitae Variant Classification Sherloc (09022015). Collection method: clinical testing. Allele origin: germline.
Comment: This sequence change replaces lysine, which is basic and polar, with threonine, which is neutral and polar, at codon 307 of the PALB2 protein (p.Lys307Thr). This variant is not present in population databases (gnomAD no frequency). This variant has not been reported in the literature in individuals affected with PALB2-related conditions. ClinVar contains an entry for this variant (Variation ID: 1481061). Invitae Evidence Modeling of protein sequence and biophysical properties (such as structural, functional, and spatial information, amino acid conservation, physicochemical variation, residue mobility, and thermodynamic stability) indicates that this missense variant is not expected to disrupt PALB2 protein function with a negative predictive value of 80%. In summary, the available evidence is currently insufficient to determine the role of this variant in disease. Therefore, it has been classified as a Variant of Uncertain Significance.

Ambry Genetics
Classification: Uncertain significance for Hereditary cancer-predisposing syndrome. Last evaluated: 2021-03-05. Review status: criteria provided, single submitter. Criteria: Ambry Variant Classification Scheme 2023. Collection method: clinical testing. Allele origin: germline.
Comment: The p.K307T variant (also known as c.920A>C), located in coding exon 4 of the PALB2 gene, results from an A to C substitution at nucleotide position 920. The lysine at codon 307 is replaced by threonine, an amino acid with similar properties. This alteration has been reported in at least one subject in a study of 13087 breast cancer cases and 5488 control individuals in the UK (Decker B et al. J Med Genet, 2017 11;54:732-741). This amino acid position is not well conserved in available vertebrate species. In addition, this alteration is predicted to be tolerated by in silico analysis. Since supporting evidence is limited at this time, the clinical significance of this alteration remains unclear.

Literature cited by the submitters: PubMed 28779002 (cited by Ambry Genetics).